The following is an entry in ClinVar:

NM_000141.5(FGFR2):c.1084+2T>C

Gene: FGFR2 (fibroblast growth factor receptor 2; minus strand). Cytogenetic location: 10q26.13.
Variant type: single nucleotide variant.
Coding change: c.1084+2T>C on transcript NM_000141.5 (MANE Select); the canonical splice donor site of the intron after coding-DNA position 1084, T replaced by C.
Molecular consequence: splice donor variant. On other transcripts: intron variant (7).
Genome position (GRCh38, 1-based): chr10:121,517,317, A>G on the plus strand (T>C on the coding strand, the complement: FGFR2 is on the minus strand). VCF-style: chr10-121517317-A-G. GRCh37 (hg19) VCF-style: chr10-123276831-A-G.
Other names: c.749-1998T>C (NM_001144914.1); c.739+2T>C (NM_001144918.2, NM_001441091.1, NM_001441090.1 and 1 more transcripts); c.817+2T>C (NM_001441089.1, NM_023029.3, NM_001144915.2); c.820+1365T>C (NM_001441088.1, NM_001144919.2); c.939+2662T>C (NM_001144917.2); c.1084+2T>C (NM_001320658.2); c.1087+1365T>C (NM_001441087.1, NM_022970.4, NM_001144913.1); c.400+2T>C (NM_001320654.2).
Identifiers: ClinVar variation 2136935 (VCV002136935.5), dbSNP rs2134253566, ClinGen allele CA378327628.

ClinVar aggregate classification (germline): Pathogenic. Review status: criteria provided, multiple submitters, no conflicts (2 of 4 stars). 2 submissions from 2 submitters: Pathogenic (2). Last evaluated 2023-11-27.

Conditions:
FGFR2-related craniosynostosis. Identifiers: MedGen CN231480.
Pfeiffer syndrome (ACS5). Also called: ACS V. Identifiers: Orphanet 710, MedGen C0220658, MONDO:0007043, OMIM 101600.

Submissions (2):

MVZ Martinsried, Medicover Genetics
Classification: Pathogenic for Pfeiffer syndrome. Last evaluated: 2023-11-27. Review status: criteria provided, single submitter. Criteria: ACGS Guidelines, 2020. Collection method: clinical testing. Allele origin: unknown. Affected: yes.

Labcorp Genetics (formerly Invitae), Labcorp
Classification: Pathogenic for FGFR2-related craniosynostosis. Last evaluated: 2022-10-06. Review status: criteria provided, single submitter. Criteria: Invitae Variant Classification Sherloc (09022015). Collection method: clinical testing. Allele origin: germline.
Comment: For these reasons, this variant has been classified as Pathogenic. Studies have shown disruption of this splice site is associated with increased skipping of exon 8, but one or more of the resulting mRNA isoform(s) may be naturally occurring (PMID: 21524234). Disruption of this splice site has been observed in individual(s) with clinical features of FGFR2-related conditions and/or Crouzon syndrome (PMID: 21524234, 24127277, 25271085, 28901406; Invitae). In at least one individual the variant was observed to be de novo. This variant is not present in population databases (gnomAD no frequency). This sequence change affects a donor splice site in intron 8 of the FGFR2 gene. RNA analysis indicates that disruption of this splice site induces altered splicing and likely results in the loss of 17 amino acid residue(s), but is expected to preserve the integrity of the reading-frame.

Literature cited by the submitters: PubMed 21524234 (cited by Labcorp Genetics (formerly Invitae), Labcorp); PubMed 24127277 (cited by Labcorp Genetics (formerly Invitae), Labcorp); PubMed 25271085 (cited by Labcorp Genetics (formerly Invitae), Labcorp); PubMed 28901406 (cited by Labcorp Genetics (formerly Invitae), Labcorp).